The following is an entry in ClinVar:

NM_000195.5(HPS1):c.1585A>G (p.Ile529Val)

Gene: HPS1 (HPS1 biogenesis of lysosomal organelles complex 3 subunit 1; minus strand). Cytogenetic location: 10q24.2.
Variant type: single nucleotide variant.
Coding change: c.1585A>G on transcript NM_000195.5 (MANE Select); coding-DNA position 1585, A replaced by G.
Protein change: p.Ile529Val; replaces isoleucine 529 with valine.
Molecular consequence: missense variant.
Genome position (GRCh38, 1-based): chr10:98,423,616, T>C on the plus strand (A>G on the coding strand, the complement: HPS1 is on the minus strand). VCF-style: chr10-98423616-T-C. GRCh37 (hg19) VCF-style: chr10-100183373-T-C.
Other names: c.613A>G, p.Ile205Val (NM_001311345.2, NM_001322487.2, NM_001322489.2); c.1585A>G, p.Ile529Val (NM_001322476.2, NM_001322477.2); c.1486A>G, p.Ile496Val (NM_001322478.2, NM_001322479.2); c.1324A>G, p.Ile442Val (NM_001322480.2, NM_001322481.2); c.1225A>G, p.Ile409Val (NM_001322482.2); c.1216A>G, p.Ile406Val (NM_001322483.2, NM_001322484.2); c.1117A>G, p.Ile373Val (NM_001322485.2); short protein forms I529V, I406V, I496V, I205V, I373V, I409V, I442V.
Identifiers: ClinVar variation 498642 (VCV000498642.17), dbSNP rs569192835, ClinGen allele CA5638969.

ClinVar aggregate classification (germline): Conflicting classifications of pathogenicity. Review status: criteria provided, conflicting classifications (1 of 4 stars). 4 submissions from 4 submitters: Uncertain significance (1); Likely benign (1). 2 of the submissions do not count toward it. Last evaluated 2026-01-27.

Conditions:
HPS1-related disorder. Also called: HPS1-related condition.
Hermansky-Pudlak syndrome (HPS). Also called: ALBINISM WITH HEMORRHAGIC DIATHESIS AND PIGMENTED RETICULOENDOTHELIAL CELLS. Identifiers: Orphanet 79430, MedGen C0079504, MONDO:0019312.

Allele frequency attached by ClinVar (database versions not stated): 1000 Genomes Project 30x 0.00016; 1000 Genomes Project 0.00020; gnomAD exomes 0.00023 and 0.00047; ExAC 0.00055; gnomAD 0.00005 and 0.00013; TOPMed 0.00005.
gnomAD v4.1: 351 of 1,613,930 alleles (0.022%); highest among the groups gnomAD compares: South Asian, 0.34%; 2 homozygotes.

Submissions (4):

Labcorp Genetics (formerly Invitae), Labcorp
Classification: Likely benign. Last evaluated: 2026-01-27. Review status: criteria provided, single submitter. Criteria: Invitae Variant Classification Sherloc (09022015). Collection method: clinical testing. Allele origin: germline.

Eurofins Ntd Llc (ga)
Classification: Uncertain significance. Last evaluated: 2016-12-02. Review status: criteria provided, single submitter. Criteria: EGL Classification Definitions 2015. Collection method: clinical testing. Allele origin: germline. Observed: 1 variant allele, 1 heterozygote.

PreventionGenetics, part of Exact Sciences
Classification: Likely benign for HPS1-related condition. Last evaluated: 2024-02-29. Review status: no assertion criteria provided. Collection method: clinical testing. Allele origin: germline. Not counted in ClinVar's aggregate classification.
Comment: This variant is classified as likely benign based on ACMG/AMP sequence variant interpretation guidelines (Richards et al. 2015 PMID: 25741868, with internal and published modifications).

Natera, Inc.
Classification: Likely benign for Hermansky-Pudlak syndrome. Last evaluated: 2019-10-28. Review status: no assertion criteria provided. Collection method: clinical testing. Allele origin: germline. Not counted in ClinVar's aggregate classification.